The following is an entry in ClinVar:

ClinVar aggregate classification (germline): Pathogenic (1 of 4 stars; one submission).

Submission:

Labcorp Genetics (formerly Invitae), Labcorp
Classification: Pathogenic. Last evaluated: 2022-08-14. Review status: criteria provided, single submitter. Criteria: Invitae Variant Classification Sherloc (09022015). Collection method: clinical testing. Allele origin: germline.
Comment: For these reasons, this variant has been classified as Pathogenic. This variant disrupts a region of the CLRN1 protein in which other variant(s) (p.Arg207*) have been determined to be pathogenic (PMID: 22952768, 23304067, 26338283). This suggests that this is a clinically significant region of the protein, and that variants that disrupt it are likely to be disease-causing. This variant has not been reported in the literature in individuals affected with CLRN1-related conditions. This variant is not present in population databases (gnomAD no frequency). This sequence change creates a premature translational stop signal (p.His163Leufs*8) in the CLRN1 gene. While this is not anticipated to result in nonsense mediated decay, it is expected to disrupt the last 70 amino acid(s) of the CLRN1 protein.

Literature cited by the submitters: PubMed 22952768; PubMed 23304067; PubMed 26338283.

NM_174878.3(CLRN1):c.488_492del (p.His163fs)

Gene: CLRN1 (clarin 1; minus strand). Cytogenetic location: 3q25.1.
Variant type: Deletion.
Coding change: c.488_492del on transcript NM_174878.3 (MANE Select); coding-DNA positions 488 to 492, 5 bases deleted (ACCTC; older notation c.488_492delACCTC).
Protein change: p.His163fs; shifts the reading frame from histidine 163.
Molecular consequence: frameshift variant. On other transcripts: 3 prime UTR variant (1), non-coding transcript variant (1).
Genome position (GRCh38, 1-based): chr3:150,928,143-150,928,147, GAGGT deleted on the plus strand (ACCTC on the coding strand, the reverse complement: CLRN1 is on the minus strand); deleting any 5 consecutive bases within chr3:150,928,143-150,928,149 gives the same sequence; the c. name uses the placement nearest the transcript's 3' end. VCF-style (leftmost placement, unchanged base first): chr3-150928142-AGAGGT-A. GRCh37 (hg19) VCF-style: chr3-150645929-AGAGGT-A.
Other names: c.527_531del, p.His176fs (NM_001195794.1); c.*102_*106del (NM_001256819.2); c.260_264del, p.His87fs (NM_052995.2); short protein forms H176fs, H87fs, H163fs.
Identifiers: ClinVar variation 2088011 (VCV002088011.4), dbSNP rs2472761806, ClinGen allele CA2580068967.
Genomic context (GRCh38, chr3:150,928,142, plus strand): 5'-ATTTTTCACTTTGCGTTTTGTAGACATAAGTCCCTTCTTTATAATTTGCAATTTTTTCTG[AGAGGT>A]GATGGATTTTCACTTCAGAGGCAAACAATATCATGACAAGACAGCCACAGGAGCCTGCAA-3'